The following is an entry in ClinVar:

NM_001972.4(ELANE):c.187A>G (p.Asn63Asp)

Gene: ELANE (elastase, neutrophil expressed; plus strand). Cytogenetic location: 19p13.3.
Variant type: single nucleotide variant.
Coding change: c.187A>G on transcript NM_001972.4 (MANE Select); coding-DNA position 187, A replaced by G.
Protein change: p.Asn63Asp; replaces asparagine 63 with aspartic acid.
Molecular consequence: missense variant.
Genome position (GRCh38, 1-based): chr19:852,995, A>G. VCF-style: chr19-852995-A-G. GRCh37 (hg19) VCF-style: chr19-852995-A-G.
Other names: short protein forms N63D.
Identifiers: ClinVar variation 3844314 (VCV003844314.1).
Genomic context (GRCh38, chr19:852,995, plus strand): 5'-TTCATGGTGTCCCTGCAGCTGCGCGGAGGCCACTTCTGCGGCGCCACCCTGATTGCGCCC[A>G]ACTTCGTCATGTCGGCCGCGCACTGCGTGGCGAATGTGTGAGTAGCCGGGAGTGTGCGCG-3'
Protein context (NP_001963.1, residues 53-73): HFCGATLIAP[Asn63Asp]FVMSAAHCVA

ClinVar aggregate classification (germline): Uncertain significance (1 of 4 stars; one submission).

Conditions:
Inborn genetic diseases. Identifiers: MedGen C0950123, MeSH D030342.

Submission:

Ambry Genetics
Classification: Uncertain significance for Inborn genetic diseases. Last evaluated: 2025-02-03. Review status: criteria provided, single submitter. Criteria: Ambry Variant Classification Scheme 2023. Collection method: clinical testing. Allele origin: germline.
Comment: The p.N63D variant (also known as c.187A>G), located in coding exon 2 of the ELANE gene, results from an A to G substitution at nucleotide position 187. The asparagine at codon 63 is replaced by aspartic acid, an amino acid with highly similar properties. This amino acid position is conserved. In addition, this alteration is predicted to be tolerated by in silico analysis. Based on the available evidence, the clinical significance of this variant remains unclear.